The following is an entry in ClinVar:

NM_025009.5(CEP135):c.2990C>T (p.Ser997Leu)

Gene: CEP135 (centrosomal protein 135; plus strand). Cytogenetic location: 4q12.
Variant type: single nucleotide variant.
Coding change: c.2990C>T on transcript NM_025009.5 (MANE Select); coding-DNA position 2990, C replaced by T.
Protein change: p.Ser997Leu; replaces serine 997 with leucine.
Molecular consequence: missense variant.
Genome position (GRCh38, 1-based): chr4:56,017,835, C>T. VCF-style: chr4-56017835-C-T. GRCh37 (hg19) VCF-style: chr4-56884001-C-T.
Other names: short protein forms S997L.
Identifiers: ClinVar variation 128701 (VCV000128701.26), dbSNP rs146076380, ClinGen allele CA201904.

ClinVar aggregate classification (germline): Conflicting classifications of pathogenicity. Review status: criteria provided, conflicting classifications (1 of 4 stars). 5 submissions from 5 submitters: Uncertain significance (1); Benign (2); Likely benign (2). Last evaluated 2026-06-01.

Allele frequency attached by ClinVar (database versions not stated): ESP Exome Variant Server 0.00315; gnomAD 0.00318 and 0.00345; 1000 Genomes Project 0.00319; 1000 Genomes Project 30x 0.00328; TOPMed 0.00374.
gnomAD v4.1: 983 of 1,612,512 alleles (0.061%); highest among the groups gnomAD compares: African/African-American, 1.1%; 7 homozygotes.

Submissions (5):

CeGaT Center for Human Genetics Tuebingen
Classification: Likely benign. Last evaluated: 2026-06-01. Review status: criteria provided, single submitter. Criteria: CeGaT Center For Human Genetics Tuebingen Variant Classification Criteria Version 2. Collection method: clinical testing. Allele origin: germline. Affected: yes. Observed: 2 variant alleles.
Comment: CEP135: BP4, BS1

Labcorp Genetics (formerly Invitae), Labcorp
Classification: Benign. Last evaluated: 2025-12-31. Review status: criteria provided, single submitter. Criteria: Invitae Variant Classification Sherloc (09022015). Collection method: clinical testing. Allele origin: germline.

GeneDx
Classification: Likely benign. Last evaluated: 2020-12-04. Review status: criteria provided, single submitter. Criteria: GeneDx Variant Classification Process June 2021. Collection method: clinical testing. Allele origin: germline. Affected: yes.

Eurofins Ntd Llc (ga)
Classification: Benign. Last evaluated: 2015-03-13. Review status: criteria provided, single submitter. Criteria: EGL Classification Definitions 2015. Collection method: clinical testing. Allele origin: germline. Observed: 1 variant allele, 1 heterozygote.

Genetic Services Laboratory, University of Chicago
Classification: Uncertain significance. Last evaluated: 2013-07-30. Review status: criteria provided, single submitter. Criteria: ACMG Guidelines, 2007. Collection method: clinical testing. Allele origin: germline. Inheritance: Autosomal recessive inheritance.